The following is an entry in ClinVar:

ClinVar aggregate classification (germline): Pathogenic (1 of 4 stars; one submission).

Submission:

CeGaT Center for Human Genetics Tuebingen
Classification: Pathogenic. Last evaluated: 2023-10-01. Review status: criteria provided, single submitter. Criteria: CeGaT Center For Human Genetics Tuebingen Variant Classification Criteria Version 2. Collection method: clinical testing. Allele origin: germline. Affected: yes. Observed: 1 variant allele.
Comment: SOX5: PVS1, PM2, PS2:Supporting, PS4:Supporting

NM_006940.6(SOX5):c.700C>T (p.Gln234Ter)

Gene: SOX5 (SRY-box transcription factor 5; minus strand). Cytogenetic location: 12p12.1.
Variant type: single nucleotide variant.
Coding change: c.700C>T on transcript NM_006940.6 (MANE Select); coding-DNA position 700, C replaced by T.
Protein change: p.Gln234Ter; replaces glutamine 234 with a stop codon.
Molecular consequence: nonsense.
Genome position (GRCh38, 1-based): chr12:23,740,908, G>A on the plus strand (C>T on the coding strand, the complement: SOX5 is on the minus strand). VCF-style: chr12-23740908-G-A. GRCh37 (hg19) VCF-style: chr12-23893842-G-A.
Other names: c.661C>T, p.Gln221Ter (NM_001261414.3, NM_152989.5); c.670C>T, p.Gln224Ter (NM_001261415.3); c.595C>T, p.Gln199Ter (NM_001330785.2); short protein forms Q199*, Q221*, Q224*, Q234*.
Identifiers: ClinVar variation 2642785 (VCV002642785.24), dbSNP rs2498148129, ClinGen allele CA384320664.